The following is an entry in ClinVar:

ClinVar aggregate classification (germline): Pathogenic. Review status: criteria provided, single submitter (1 of 4 stars). 2 submissions from 2 submitters: Pathogenic (1). 1 of the submissions does not count toward it. Last evaluated 2025-08-19.

Conditions:
Cardiomyopathy (CMYO). Also called: Cardiomyopathies. Identifiers: Orphanet 167848, MedGen C0878544, MONDO:0004994, HP:0001638. Inheritance: Various modes of inheritance.
Dystrophin deficiency.
Duchenne muscular dystrophy (DMD). Also called: MUSCULAR DYSTROPHY, PSEUDOHYPERTROPHIC PROGRESSIVE, DUCHENNE TYPE; Duchenne Muscular Dystrophy (DMD). Identifiers: Orphanet 98896, MedGen C0013264, MONDO:0010679, OMIM 310200.
Becker muscular dystrophy (BMD). Also called: Becker Muscular Dystrophy (BMD); MUSCULAR DYSTROPHY, PSEUDOHYPERTROPHIC PROGRESSIVE, BECKER TYPE. Identifiers: Orphanet 98895, MedGen C0917713, MONDO:0010311, OMIM 300376.

Submissions (2):

Labcorp Genetics (formerly Invitae), Labcorp
Classification: Pathogenic for Duchenne muscular dystrophy. Last evaluated: 2025-08-19. Review status: criteria provided, single submitter. Criteria: Invitae Variant Classification Sherloc (09022015). Collection method: clinical testing. Allele origin: germline.
Comment: This sequence change creates a premature translational stop signal (p.Gln190*) in the DMD gene. It is expected to result in an absent or disrupted protein product. Loss-of-function variants in DMD are known to be pathogenic (PMID: 16770791, 25007885). This variant is not present in population databases (gnomAD no frequency). This premature translational stop signal has been observed in individual(s) with DMD-related muscular dystrophy (PMID: 16566881). ClinVar contains an entry for this variant (Variation ID: 1071032). For these reasons, this variant has been classified as Pathogenic.

Natera, Inc.
Classification: Pathogenic for Becker muscular dystrophy; Cardiomyopathy; Duchenne muscular dystrophy; Dystrophin deficiency. Last evaluated: 2020-11-17. Review status: no assertion criteria provided. Collection method: clinical testing. Allele origin: germline. Not counted in ClinVar's aggregate classification.

Literature cited by the submitters: PubMed 16770791 (cited by Labcorp Genetics (formerly Invitae), Labcorp); PubMed 25007885 (cited by Labcorp Genetics (formerly Invitae), Labcorp); PubMed 16566881 (cited by Labcorp Genetics (formerly Invitae), Labcorp).

NM_004006.3(DMD):c.568C>T (p.Gln190Ter)

Gene: DMD (dystrophin; minus strand). Cytogenetic location: Xp21.1.
Variant type: single nucleotide variant.
Coding change: c.568C>T on transcript NM_004006.3 (MANE Select); coding-DNA position 568, C replaced by T.
Protein change: p.Gln190Ter; replaces glutamine 190 with a stop codon.
Molecular consequence: nonsense.
Genome position (GRCh38, 1-based): chrX:32,809,574, G>A on the plus strand (C>T on the coding strand, the complement: DMD is on the minus strand). VCF-style: chrX-32809574-G-A. GRCh37 (hg19) VCF-style: chrX-32827691-G-A.
Other names: c.544C>T, p.Gln182Ter (NM_000109.4); c.556C>T, p.Gln186Ter (NM_004009.3); c.199C>T, p.Gln67Ter (NM_004010.3); short protein forms Q182*, Q186*, Q190*, Q67*.
Identifiers: ClinVar variation 1071032 (VCV001071032.11), dbSNP rs2148751523, ClinGen allele CA412673924.